The following is an entry in ClinVar:

ClinVar aggregate classification (germline): Uncertain significance (1 of 4 stars; one submission).

Conditions:
Autosomal recessive limb-girdle muscular dystrophy type 2Y (MRRSDC). Also called: Muscular dystrophy, autosomal recessive, with rigid spine and distal joint contractures; Muscular dystrophy, limb-girdle, type 2y. Identifiers: Orphanet 424261, MedGen C4511482, MONDO:0014900, OMIM 617072.

Allele frequency attached by ClinVar (database versions not stated): gnomAD exomes below 0.00001; ExAC 0.00001; gnomAD 0.00001; TOPMed 0.00001; ESP Exome Variant Server 0.00008.
gnomAD v4.1: 4 of 1,614,048 alleles (0.00025%); highest among the groups gnomAD compares: African/African-American, 0.004%; no homozygotes.

Submission:

Labcorp Genetics (formerly Invitae), Labcorp
Classification: Uncertain significance for Autosomal recessive limb-girdle muscular dystrophy type 2Y. Last evaluated: 2022-08-05. Review status: criteria provided, single submitter. Criteria: Invitae Variant Classification Sherloc (09022015). Collection method: clinical testing. Allele origin: germline.
Comment: This sequence change replaces glutamic acid, which is acidic and polar, with glycine, which is neutral and non-polar, at codon 97 of the TOR1AIP1 protein (p.Glu97Gly). This variant is present in population databases (rs374172035, gnomAD 0.007%). This variant has not been reported in the literature in individuals affected with TOR1AIP1-related conditions. Algorithms developed to predict the effect of missense changes on protein structure and function output the following: SIFT: "Tolerated"; PolyPhen-2: "Benign"; Align-GVGD: "Class C0". The glycine amino acid residue is found in multiple mammalian species, which suggests that this missense change does not adversely affect protein function. In summary, the available evidence is currently insufficient to determine the role of this variant in disease. Therefore, it has been classified as a Variant of Uncertain Significance.

NM_015602.4(TOR1AIP1):c.290A>G (p.Glu97Gly)

Genes: TOR1AIP1 (torsin 1A interacting protein 1; plus strand), LOC112577517 (Sharpr-MPRA regulatory region 13766; plus strand). Cytogenetic location: 1q25.2.
Variant type: single nucleotide variant.
Coding change: c.290A>G on transcript NM_015602.4 (MANE Select); coding-DNA position 290, A replaced by G.
Protein change: p.Glu97Gly; replaces glutamic acid 97 with glycine.
Molecular consequence: missense variant.
Genome position (GRCh38, 1-based): chr1:179,882,792, A>G. VCF-style: chr1-179882792-A-G. GRCh37 (hg19) VCF-style: chr1-179851927-A-G.
Other names: c.290A>G, p.Glu97Gly (NM_001267578.2); short protein forms E97G.
Identifiers: ClinVar variation 2150167 (VCV002150167.4), dbSNP rs374172035, ClinGen allele CA1268707.
Genomic context (GRCh38, chr1:179,882,792, plus strand): 5'-AAAGGTCCCCGGTGGGAAAACGAACCCGGCTAGAAGAGTTCCGGTCCGATTCTGCGAAAG[A>G]GGAAGTGAGAGAAAGCGCGTACTACCTTCGGTCTAGGCAGCGGAGGCAGCCGCGACCCCA-3'
Protein context (NP_056417.2, residues 87-107): LEEFRSDSAK[Glu97Gly]EVRESAYYLR